The following is an entry in ClinVar:

NM_001429.4(EP300):c.2053+5G>C

Gene: EP300 (EP300 lysine acetyltransferase; plus strand). Cytogenetic location: 22q13.2.
Variant type: single nucleotide variant.
Coding change: c.2053+5G>C on transcript NM_001429.4 (MANE Select); 5 bases into the intron after coding-DNA position 2053, G replaced by C.
Molecular consequence: intron variant.
Genome position (GRCh38, 1-based): chr22:41,141,227, G>C. VCF-style: chr22-41141227-G-C. GRCh37 (hg19) VCF-style: chr22-41537231-G-C.
Other names: c.2053+5G>C (NM_001362843.2).
Identifiers: ClinVar variation 2768514 (VCV002768514.3), dbSNP rs2518145440, ClinGen allele CA2697552780.

ClinVar aggregate classification (germline): Uncertain significance (1 of 4 stars; one submission).

Conditions:
Rubinstein-Taybi syndrome due to EP300 haploinsufficiency. Also called: EP300-Related Rubinstein-Taybi Syndrome; RUBINSTEIN-TAYBI SYNDROME 2. Identifiers: Orphanet 353284, Orphanet 783, MedGen C3150941, MONDO:0013364, OMIM 613684.

Submission:

Labcorp Genetics (formerly Invitae), Labcorp
Classification: Uncertain significance for Rubinstein-Taybi syndrome due to EP300 haploinsufficiency. Last evaluated: 2023-12-27. Review status: criteria provided, single submitter. Criteria: Invitae Variant Classification Sherloc (09022015). Collection method: clinical testing. Allele origin: germline.
Comment: This sequence change falls in intron 10 of the EP300 gene. It does not directly change the encoded amino acid sequence of the EP300 protein. It affects a nucleotide within the consensus splice site. This variant is not present in population databases (gnomAD no frequency). This variant has not been reported in the literature in individuals affected with EP300-related conditions. Variants that disrupt the consensus splice site are a relatively common cause of aberrant splicing (PMID: 17576681, 9536098). Algorithms developed to predict the effect of sequence changes on RNA splicing suggest that this variant may disrupt the consensus splice site. In summary, the available evidence is currently insufficient to determine the role of this variant in disease. Therefore, it has been classified as a Variant of Uncertain Significance.

Literature cited by the submitters: PubMed 17576681; PubMed 9536098.